The following is an entry in ClinVar:

ClinVar aggregate classification (germline): Uncertain significance (1 of 4 stars; one submission).

Conditions:
Adenylosuccinate lyase deficiency (ADSLD). Also called: ADSL DEFICIENCY. Identifiers: Orphanet 46, MedGen C0268126, MONDO:0007068, OMIM 103050.

Allele frequency attached by ClinVar (database versions not stated): gnomAD 0.00004; 1000 Genomes Project 30x 0.00016.

Submission:

Labcorp Genetics (formerly Invitae), Labcorp
Classification: Uncertain significance for Adenylosuccinate lyase deficiency. Last evaluated: 2022-04-20. Review status: criteria provided, single submitter. Criteria: Invitae Variant Classification Sherloc (09022015). Collection method: clinical testing. Allele origin: germline.
Comment: This variant occurs in a non-coding region of the ADSL gene. It does not change the encoded amino acid sequence of the ADSL protein. This variant is not present in population databases (gnomAD no frequency). This variant has not been reported in the literature in individuals affected with ADSL-related conditions. Experimental studies and prediction algorithms are not available or were not evaluated, and the functional significance of this variant is currently unknown. In summary, the available evidence is currently insufficient to determine the role of this variant in disease. Therefore, it has been classified as a Variant of Uncertain Significance.

NC_000022.11:g.40345595G>T

Gene: ADSL (adenylosuccinate lyase; plus strand). Cytogenetic location: 22q13.1.
Variant type: single nucleotide variant.
Genome position: GRCh38 VCF-style: chr22-40345595-G-T. GRCh37 (hg19) VCF-style: chr22-40741599-G-T.
Identifiers: ClinVar variation 1467677 (VCV001467677.4), dbSNP rs905746040, ClinGen allele CA324446283.